The following is an entry in ClinVar:

ClinVar aggregate classification (germline): Uncertain significance (1 of 4 stars; one submission).

Conditions:
Familial cold autoinflammatory syndrome 4 (FCAS4). Identifiers: Orphanet 47045, Orphanet 576349, MedGen C4015276, MONDO:0014498, OMIM 616115.
Periodic fever-infantile enterocolitis-autoinflammatory syndrome. Also called: Autoinflammation with infantile enterocolitis. Identifiers: Orphanet 436166, MedGen C4015067, MONDO:0014472, OMIM 616050.

Submission:

Labcorp Genetics (formerly Invitae), Labcorp
Classification: Uncertain significance for Periodic fever-infantile enterocolitis-autoinflammatory syndrome; Familial cold autoinflammatory syndrome 4. Last evaluated: 2021-06-07. Review status: criteria provided, single submitter. Criteria: Invitae Variant Classification Sherloc (09022015). Collection method: clinical testing. Allele origin: germline.
Comment: In summary, the available evidence is currently insufficient to determine the role of this variant in disease. Therefore, it has been classified as a Variant of Uncertain Significance. Experimental studies and prediction algorithms are not available or were not evaluated, and the functional significance of this variant is currently unknown. This variant has not been reported in the literature in individuals with NLRC4-related conditions. The frequency data for this variant in the population databases is not available, as this variant may be reported as separate entries in the ExAC database. This sequence change replaces leucine with valine at codon 609 of the NLRC4 protein (p.Leu609Val). The leucine residue is highly conserved and there is a small physicochemical difference between leucine and valine.

NM_001199138.2(NLRC4):c.1824_1825delinsTG (p.Leu609Val)

Gene: NLRC4 (NLR family CARD domain containing 4; minus strand). Cytogenetic location: 2p22.3.
Variant type: Indel.
Coding change: c.1824_1825delinsTG on transcript NM_001199138.2 (MANE Select); coding-DNA positions 1824 to 1825, CC replaced by TG.
Protein change: p.Leu609Val; replaces leucine 609 with valine.
Molecular consequence: missense variant. On other transcripts: intron variant (1).
Genome position (GRCh38, 1-based): chr2:32,250,039-32,250,040, GG replaced by CA on the plus strand (CC replaced by TG on the coding strand, the reverse complement: NLRC4 is on the minus strand). VCF-style: chr2-32250039-GG-CA. GRCh37 (hg19) VCF-style: chr2-32475108-GG-CA.
Other names: c.1824_1825delCCinsTG, p.Leu609Val (NM_001199139.2, NM_021209.5); c.262+2379_262+2380delinsTG (NM_001302504.1); short protein forms L609V.
Identifiers: ClinVar variation 1351957 (VCV001351957.6), dbSNP rs2148941868, ClinGen allele CA2573134510.
Genomic context (GRCh38, chr2:32,250,039, plus strand): 5'-CTGCAGCCTTTTCCCATGAAGCCATAGCTCCCCCATAAAAGTCCAGTTTAATGAAGTCCA[GG>CA]GCACTTGCACAATTGGGCAAATGTTCAAAGAAGTCAAATAAGTAATCGGGGATGTTCCCT-3'
Protein context (NP_001186067.1, residues 599-619): FEHLPNCASA[Leu609Val]DFIKLDFYGG